The following is an entry in ClinVar:

ClinVar aggregate classification (germline): Uncertain significance. Review status: criteria provided, multiple submitters, no conflicts (2 of 4 stars). 2 submissions from 2 submitters: Uncertain significance (2). Last evaluated 2024-11-07.

Conditions:
Progressive sclerosing poliodystrophy (MTDPS4A). Also called: Alpers-Huttenlocher Syndrome (AHS); Alpers Syndrome; ALPERS PROGRESSIVE INFANTILE POLIODYSTROPHY; Mitochondrial DNA depletion syndrome 4A (Alpers type); ALPERS DIFFUSE DEGENERATION OF CEREBRAL GRAY MATTER WITH HEPATIC CIRRHOSIS; Alpers-Huttenlocher Syndrome. Identifiers: Orphanet 726, MedGen C0205710, MONDO:0008758, OMIM 203700.

Allele frequency attached by ClinVar (database versions not stated): gnomAD exomes below 0.00001 and 0.00001; ExAC 0.00002.
gnomAD v4.1: 1 of 1,613,952 alleles (0.000062%); highest among the groups gnomAD compares: Admixed American, 0.0017%; no homozygotes.

Submissions (2):

Labcorp Genetics (formerly Invitae), Labcorp
Classification: Uncertain significance for Progressive sclerosing poliodystrophy. Last evaluated: 2024-11-07. Review status: criteria provided, single submitter. Criteria: Invitae Variant Classification Sherloc (09022015). Collection method: clinical testing. Allele origin: germline.
Comment: This sequence change replaces tyrosine, which is neutral and polar, with cysteine, which is neutral and slightly polar, at codon 995 of the POLG protein (p.Tyr995Cys). This variant is present in population databases (rs749458217, gnomAD 0.006%). This variant has not been reported in the literature in individuals affected with POLG-related conditions. ClinVar contains an entry for this variant (Variation ID: 619428). An algorithm developed to predict the effect of missense changes on protein structure and function (PolyPhen-2) suggests that this variant is likely to be tolerated. In summary, the available evidence is currently insufficient to determine the role of this variant in disease. Therefore, it has been classified as a Variant of Uncertain Significance.

Wong Mito Lab, Molecular and Human Genetics, Baylor College of Medicine
Classification: Uncertain significance for Progressive sclerosing poliodystrophy. Last evaluated: 2018-10-01. Review status: criteria provided, single submitter. Criteria: ACMG Guidelines, 2015. Collection method: clinical testing. Allele origin: germline.
Comment: The NM_002693.2:c.2984A>G (NP_002684.1:p.Tyr995Cys) [GRCH38: NC_000015.10:g.89319348T>C] variant in POLG gene is interpretated to be a Uncertain Significance based on ACMG guidelines (PMID: 25741868). This variant meets the following evidence codes reported in the ACMG-guideline. PM1:This variant is in mutational hot spot or a well-studied functional domain without benign variation. PM2:This variant is absent in key population databases. PP2:This is a missense variant in POLG with a low rate of benign and high rate of pathogenic missense variations. Based on the evidence criteria codes applied, the variant is suggested to be Uncertain Significance.

NM_002693.3(POLG):c.2984A>G (p.Tyr995Cys)

Gene: POLG (DNA polymerase gamma, catalytic subunit; minus strand). Cytogenetic location: 15q26.1.
Variant type: single nucleotide variant.
Coding change: c.2984A>G on transcript NM_002693.3 (MANE Select); coding-DNA position 2984, A replaced by G.
Protein change: p.Tyr995Cys; replaces tyrosine 995 with cysteine.
Molecular consequence: missense variant.
Genome position (GRCh38, 1-based): chr15:89,319,348, T>C on the plus strand (A>G on the coding strand, the complement: POLG is on the minus strand). VCF-style: chr15-89319348-T-C. GRCh37 (hg19) VCF-style: chr15-89862579-T-C.
Other names: c.2984A>G, p.Tyr995Cys (NM_001126131.2); short protein forms Y995C.
Identifiers: ClinVar variation 619428 (VCV000619428.6), dbSNP rs749458217, ClinGen allele CA7724284.